The following is an entry in ClinVar:

NM_000138.5(FBN1):c.7736A>C (p.His2579Pro)

Gene: FBN1 (fibrillin 1; minus strand). Cytogenetic location: 15q21.1.
Variant type: single nucleotide variant.
Coding change: c.7736A>C on transcript NM_000138.5 (MANE Select); coding-DNA position 7736, A replaced by C.
Protein change: p.His2579Pro; replaces histidine 2579 with proline.
Molecular consequence: missense variant.
Genome position (GRCh38, 1-based): chr15:48,420,770, T>G on the plus strand (A>C on the coding strand, the complement: FBN1 is on the minus strand). VCF-style: chr15-48420770-T-G. GRCh37 (hg19) VCF-style: chr15-48712967-T-G.
Other names: c.7736A>C, p.His2579Pro (NM_001406716.1); short protein forms H2579P.
Identifiers: ClinVar variation 2944571 (VCV002944571.3), dbSNP rs1597512706, ClinGen allele CA392324771.

ClinVar aggregate classification (germline): Uncertain significance (1 of 4 stars; one submission).

Conditions:
Marfan syndrome (MFS). Also called: MARFAN SYNDROME, TYPE I; Marfan syndrome type 1; Marfan's syndrome; Marfan syndrome, classic; FBN1-Related Marfan Syndrome. Identifiers: Orphanet 284963, Orphanet 558, MedGen C0024796, MONDO:0007947, OMIM 154700.
Familial thoracic aortic aneurysm and aortic dissection (TAAD). Also called: Thoracic aortic aneurysms and dissections. Identifiers: Orphanet 91387, MedGen C4707243, MONDO:0019625.

Submission:

Labcorp Genetics (formerly Invitae), Labcorp
Classification: Uncertain significance for Marfan syndrome; Familial thoracic aortic aneurysm and aortic dissection. Last evaluated: 2023-02-21. Review status: criteria provided, single submitter. Criteria: Invitae Variant Classification Sherloc (09022015). Collection method: clinical testing. Allele origin: germline.
Comment: This variant is not present in population databases (gnomAD no frequency). This sequence change replaces histidine, which is basic and polar, with proline, which is neutral and non-polar, at codon 2579 of the FBN1 protein (p.His2579Pro). This missense change has been observed in individual(s) with Marfan syndrome (Invitae). Advanced modeling of protein sequence and biophysical properties (such as structural, functional, and spatial information, amino acid conservation, physicochemical variation, residue mobility, and thermodynamic stability) performed at Invitae indicates that this missense variant is expected to disrupt FBN1 protein function. In summary, the available evidence is currently insufficient to determine the role of this variant in disease. Therefore, it has been classified as a Variant of Uncertain Significance.